The following is an entry in ClinVar:

ClinVar aggregate classification (germline): Uncertain significance (1 of 4 stars; one submission).

Conditions:
Charcot-Marie-Tooth Neuropathy X. Identifiers: MedGen CN118851.

Submission:

Labcorp Genetics (formerly Invitae), Labcorp
Classification: Uncertain significance for Charcot-Marie-Tooth Neuropathy X. Last evaluated: 2025-04-11. Review status: criteria provided, single submitter. Criteria: Invitae Variant Classification Sherloc (09022015). Collection method: clinical testing. Allele origin: germline.
Comment: This sequence change replaces alanine, which is neutral and non-polar, with valine, which is neutral and non-polar, at codon 82 of the PRPS1 protein (p.Ala82Val). This variant is not present in population databases (gnomAD no frequency). This variant has not been reported in the literature in individuals affected with PRPS1-related conditions. Invitae Evidence Modeling of protein sequence and biophysical properties (such as structural, functional, and spatial information, amino acid conservation, physicochemical variation, residue mobility, and thermodynamic stability) indicates that this missense variant is not expected to disrupt PRPS1 protein function with a negative predictive value of 80%. In summary, the available evidence is currently insufficient to determine the role of this variant in disease. Therefore, it has been classified as a Variant of Uncertain Significance.

NM_002764.4(PRPS1):c.245C>T (p.Ala82Val)

Gene: PRPS1 (phosphoribosyl pyrophosphate synthetase 1; plus strand). Cytogenetic location: Xq22.3.
Variant type: single nucleotide variant.
Coding change: c.245C>T on transcript NM_002764.4 (MANE Select); coding-DNA position 245, C replaced by T.
Protein change: p.Ala82Val; replaces alanine 82 with valine.
Molecular consequence: missense variant. On other transcripts: intron variant (1).
Genome position (GRCh38, 1-based): chrX:107,639,417, C>T. VCF-style: chrX-107639417-C-T. GRCh37 (hg19) VCF-style: chrX-106882647-C-T.
Other names: c.-82-5760C>T (NM_001204402.2); short protein forms A82V.
Identifiers: ClinVar variation 4742436 (VCV004742436.1).